The following is an entry in ClinVar:

NM_014871.6(PAN2):c.2945A>G (p.Glu982Gly)

Gene: PAN2 (poly(A) specific ribonuclease subunit PAN2; minus strand). Cytogenetic location: 12q13.3.
Variant type: single nucleotide variant.
Coding change: c.2945A>G on transcript NM_014871.6 (MANE Select); coding-DNA position 2945, A replaced by G.
Protein change: p.Glu982Gly; replaces glutamic acid 982 with glycine.
Molecular consequence: missense variant.
Genome position (GRCh38, 1-based): chr12:56,319,865, T>C on the plus strand (A>G on the coding strand, the complement: PAN2 is on the minus strand). VCF-style: chr12-56319865-T-C. GRCh37 (hg19) VCF-style: chr12-56713649-T-C.
Other names: c.2957A>G, p.Glu986Gly (NM_001127460.4, NM_001394699.1, NM_001394703.1); c.2954A>G, p.Glu985Gly (NM_001166279.3, NM_001394704.1); c.2945A>G, p.Glu982Gly (NM_001394700.1, NM_001394705.1); c.2942A>G, p.Glu981Gly (NM_001394701.1, NM_001394702.1, NM_001394706.1 and 1 more transcripts); c.2528A>G, p.Glu843Gly (NM_001394708.1); short protein forms E843G, E981G, E982G, E985G, E986G.
Identifiers: ClinVar variation 3371488 (VCV003371488.1).

ClinVar aggregate classification (germline): Uncertain significance (1 of 4 stars; one submission).

Submission:

GeneDx
Classification: Uncertain significance. Last evaluated: 2024-04-29. Review status: criteria provided, single submitter. Criteria: GeneDx Variant Classification Process June 2021. Collection method: clinical testing. Allele origin: germline. Affected: yes.
Comment: Reported as de novo in a cohort of individuals with developmental disorders undergoing exome sequencing, but additional clinical information was not included (PMID: 33057194); Not observed at significant frequency in large population cohorts (gnomAD); In silico analysis supports a deleterious effect on splicing; In silico analysis supports that this missense variant has a deleterious effect on protein structure/function; This variant is associated with the following publications: (PMID: 33057194, 35982159)